The following is an entry in ClinVar:

NM_133433.4(NIPBL):c.1168A>T (p.Ile390Phe)

Gene: NIPBL (NIPBL cohesin loading factor; plus strand). Cytogenetic location: 5p13.2.
Variant type: single nucleotide variant.
Coding change: c.1168A>T on transcript NM_133433.4 (MANE Select); coding-DNA position 1168, A replaced by T.
Protein change: p.Ile390Phe; replaces isoleucine 390 with phenylalanine.
Molecular consequence: missense variant.
Genome position (GRCh38, 1-based): chr5:36,976,075, A>T. VCF-style: chr5-36976075-A-T. GRCh37 (hg19) VCF-style: chr5-36976177-A-T.
Other names: c.1168A>T, p.Ile390Phe (NM_015384.5); short protein forms I390F.
Identifiers: ClinVar variation 3646435 (VCV003646435.2).

ClinVar aggregate classification (germline): Uncertain significance (1 of 4 stars; one submission).

Conditions:
Cornelia de Lange syndrome 1 (CDLS1). Also called: NIPBL-Related Cornelia de Lange Syndrome; TYPUS DEGENERATIVUS AMSTELODAMENSIS; Brachmann de Lange syndrome. Identifiers: Orphanet 199, MedGen C4551851, MONDO:0007387, OMIM 122470.

gnomAD v4.1: 2 of 1,614,036 alleles (0.00012%); highest among the groups gnomAD compares: South Asian, 0.0022%; no homozygotes.

Submission:

Labcorp Genetics (formerly Invitae), Labcorp
Classification: Uncertain significance for Cornelia de Lange syndrome 1. Last evaluated: 2024-11-04. Review status: criteria provided, single submitter. Criteria: Invitae Variant Classification Sherloc (09022015). Collection method: clinical testing. Allele origin: germline.
Comment: This sequence change replaces isoleucine, which is neutral and non-polar, with phenylalanine, which is neutral and non-polar, at codon 390 of the NIPBL protein (p.Ile390Phe). This variant is present in population databases (no rsID available, gnomAD 0.006%). This variant has not been reported in the literature in individuals affected with NIPBL-related conditions. Invitae Evidence Modeling of protein sequence and biophysical properties (such as structural, functional, and spatial information, amino acid conservation, physicochemical variation, residue mobility, and thermodynamic stability) has been performed for this missense variant. However, the output from this modeling did not meet the statistical confidence thresholds required to predict the impact of this variant on NIPBL protein function. In summary, the available evidence is currently insufficient to determine the role of this variant in disease. Therefore, it has been classified as a Variant of Uncertain Significance.